The following is an entry in ClinVar:

ClinVar aggregate classification (germline): Uncertain significance (1 of 4 stars; one submission).

Submission:

CeGaT Center for Human Genetics Tuebingen
Classification: Uncertain significance. Last evaluated: 2025-05-01. Review status: criteria provided, single submitter. Criteria: CeGaT Center For Human Genetics Tuebingen Variant Classification Criteria Version 2. Collection method: clinical testing. Allele origin: germline. Affected: yes. Observed: 1 variant allele.
Comment: ANKRD17: PM2, BP4

NM_032217.5(ANKRD17):c.7090G>A (p.Ala2364Thr)

Gene: ANKRD17 (ankyrin repeat domain 17; minus strand). Cytogenetic location: 4q13.3.
Variant type: single nucleotide variant.
Coding change: c.7090G>A on transcript NM_032217.5 (MANE Select); coding-DNA position 7090, G replaced by A.
Protein change: p.Ala2364Thr; replaces alanine 2364 with threonine.
Molecular consequence: missense variant.
Genome position (GRCh38, 1-based): chr4:73,085,318, C>T on the plus strand (G>A on the coding strand, the complement: ANKRD17 is on the minus strand). VCF-style: chr4-73085318-C-T. GRCh37 (hg19) VCF-style: chr4-73951035-C-T.
Other names: c.6751G>A, p.Ala2251Thr (NM_001286771.3); c.7087G>A, p.Ala2363Thr (NM_015574.2); c.6337G>A, p.Ala2113Thr (NM_198889.3); short protein forms A2113T, A2251T, A2363T, A2364T.
Identifiers: ClinVar variation 3905711 (VCV003905711.10).